The following is an entry in ClinVar:

ClinVar aggregate classification (germline): Uncertain significance (1 of 4 stars; one submission).

Submission:

Ambry Genetics
Classification: Uncertain significance. Last evaluated: 2024-12-08. Review status: criteria provided, single submitter. Criteria: Ambry Variant Classification Scheme 2023. Collection method: clinical testing. Allele origin: germline.
Comment: The p.P737Q variant (also known as c.2210C>A), located in coding exon 8 of the RNF43 gene, results from a C to A substitution at nucleotide position 2210. The proline at codon 737 is replaced by glutamine, an amino acid with similar properties. This amino acid position is conserved. In addition, this alteration is predicted to be tolerated by in silico analysis. Based on the available evidence, the clinical significance of this variant remains unclear.

NM_017763.6(RNF43):c.2210C>A (p.Pro737Gln)

Gene: RNF43 (ring finger protein 43; minus strand). Cytogenetic location: 17q22.
Variant type: single nucleotide variant.
Coding change: c.2210C>A on transcript NM_017763.6 (MANE Select); coding-DNA position 2210, C replaced by A.
Protein change: p.Pro737Gln; replaces proline 737 with glutamine.
Molecular consequence: missense variant.
Genome position (GRCh38, 1-based): chr17:58,357,566, G>T on the plus strand (C>A on the coding strand, the complement: RNF43 is on the minus strand). VCF-style: chr17-58357566-G-T. GRCh37 (hg19) VCF-style: chr17-56434927-G-T.
Other names: c.2210C>A, p.Pro737Gln (NM_001305544.3); c.1829C>A, p.Pro610Gln (NM_001305545.2); short protein forms P610Q, P737Q.
Identifiers: ClinVar variation 3434545 (VCV003434545.1).